The following is an entry in ClinVar:

NM_000535.7(PMS2):c.1531A>T (p.Thr511Ser)

Gene: PMS2 (PMS1 homolog 2, mismatch repair system component; minus strand). Cytogenetic location: 7p22.1.
Variant type: single nucleotide variant.
Coding change: c.1531A>T on transcript NM_000535.7 (MANE Select); coding-DNA position 1531, A replaced by T.
Protein change: p.Thr511Ser; replaces threonine 511 with serine.
Molecular consequence: missense variant. On other transcripts: non-coding transcript variant (1).
Genome position (GRCh38, 1-based): chr7:5,987,234, T>A on the plus strand (A>T on the coding strand, the complement: PMS2 is on the minus strand). VCF-style: chr7-5987234-T-A. GRCh37 (hg19) VCF-style: chr7-6026865-T-A.
Other names: c.1126A>T, p.Thr376Ser (NM_001322003.2, NM_001322004.2, NM_001322005.2 and 1 more transcripts); c.1375A>T, p.Thr459Ser (NM_001322006.2); c.1213A>T, p.Thr405Ser (NM_001322007.2, NM_001322008.2); c.970A>T, p.Thr324Ser (NM_001322010.2); c.598A>T, p.Thr200Ser (NM_001322011.2, NM_001322012.2); c.958A>T, p.Thr320Ser (NM_001322013.2); c.1531A>T, p.Thr511Ser (NM_001322014.2); c.1222A>T, p.Thr408Ser (NM_001322015.2); short protein forms T511S, T200S, T320S, T376S, T405S, T324S, T408S, T459S.
Identifiers: ClinVar variation 455657 (VCV000455657.12), dbSNP rs2228007, ClinGen allele CA366741650.
Genomic context (GRCh38, chr7:5,987,234, plus strand): 5'-CCTGCGAGCCCCTGTCCCCTGGGGAGCTGGCCGCATACTCGCTGCTGCAGTGACTGCCCG[T>A]GTCTGGGATGCTGAACCCCTCAGAATCCACGGAAGTGCTGCCGTGCCCCGAGTCCTTCTC-3'
Protein context (NP_000526.2, residues 501-521): VDSEGFSIPD[Thr511Ser]GSHCSSEYAA

ClinVar aggregate classification (germline): Uncertain significance. Review status: criteria provided, multiple submitters, no conflicts (2 of 4 stars). 2 submissions from 2 submitters: Uncertain significance (2). Last evaluated 2019-04-05.

Conditions:
Hereditary nonpolyposis colorectal neoplasms. Identifiers: MedGen C0009405, MeSH D003123.
Hereditary cancer-predisposing syndrome. Also called: Hereditary Cancer Syndrome; Hereditary neoplastic syndrome; Neoplastic Syndromes, Hereditary; Tumor predisposition. Identifiers: Orphanet 140162, MedGen C0027672, MeSH D009386, MONDO:0015356.

Submissions (2):

Color Diagnostics, LLC DBA Color Health
Classification: Uncertain significance for Hereditary cancer-predisposing syndrome. Last evaluated: 2019-04-05. Review status: criteria provided, single submitter. Criteria: ACMG Guidelines, 2015. Collection method: clinical testing. Allele origin: germline.

Labcorp Genetics (formerly Invitae), Labcorp
Classification: Uncertain significance for Hereditary nonpolyposis colorectal neoplasms. Last evaluated: 2017-01-27. Review status: criteria provided, single submitter. Criteria: Invitae Variant Classification Sherloc (09022015). Collection method: clinical testing. Allele origin: germline.
Comment: In summary, this variant is a novel missense change that is not predicted to affect protein function. There is no indication that it causes disease, but the available evidence is currently insufficient to prove that conclusively. Therefore, it has been classified as a Variant of Uncertain Significance. This sequence change replaces threonine with serine at codon 511 of the PMS2 protein (p.Thr511Ser). The threonine residue is weakly conserved and there is a small physicochemical difference between threonine and serine. Algorithms developed to predict the effect of missense changes on protein structure and function (SIFT, PolyPhen-2, Align-GVGD) all suggest that this variant is likely to be tolerated, but these predictions have not been confirmed by published functional studies. This variant is not present in population databases (ExAC no frequency) and has not been reported in the literature in individuals with a PMS2-related disease.